The following is an entry in ClinVar:

NM_002439.5(MSH3):c.2602G>T (p.Asp868Tyr)

Gene: MSH3 (mutS homolog 3; plus strand). Cytogenetic location: 5q14.1.
Variant type: single nucleotide variant.
Coding change: c.2602G>T on transcript NM_002439.5 (MANE Select); coding-DNA position 2602, G replaced by T.
Protein change: p.Asp868Tyr; replaces aspartic acid 868 with tyrosine.
Molecular consequence: missense variant.
Genome position (GRCh38, 1-based): chr5:80,792,791, G>T. VCF-style: chr5-80792791-G-T. GRCh37 (hg19) VCF-style: chr5-80088610-G-T.
Other names: c.2602G>T (NM_002439.3); short protein forms D868Y.
Identifiers: ClinVar variation 1520774 (VCV001520774.10), dbSNP rs2112026765, ClinGen allele CA360272953.
Genomic context (GRCh38, chr5:80,792,791, plus strand): 5'-AGACCAACTGTACAAGAAGAAAGAAAAATTGTAATAAAAAATGGAAGGCACCCTGTGATT[G>T]ATGTGTTGCTGGGAGAACAGGATCAATATGTCCCAAATAATACAGATTTATCAGTAAGTA-3'
Protein context (NP_002430.3, residues 858-878): VIKNGRHPVI[Asp868Tyr]VLLGEQDQYV

ClinVar aggregate classification (germline): Uncertain significance. Review status: criteria provided, multiple submitters, no conflicts (2 of 4 stars). 3 submissions from 3 submitters: Uncertain significance (3). Last evaluated 2024-04-08.

Conditions:
Hereditary cancer-predisposing syndrome. Also called: Hereditary neoplastic syndrome; Hereditary Cancer Syndrome; Tumor predisposition; Neoplastic Syndromes, Hereditary. Identifiers: Orphanet 140162, MedGen C0027672, MeSH D009386, MONDO:0015356.
Endometrial carcinoma. Also called: Endometrial carcinoma, somatic. Identifiers: MedGen C0476089, MONDO:0002447, OMIM 608089, HP:0012114.

Submissions (3):

Ambry Genetics
Classification: Uncertain significance for Hereditary cancer-predisposing syndrome. Last evaluated: 2024-04-08. Review status: criteria provided, single submitter. Criteria: Ambry Variant Classification Scheme 2023. Collection method: clinical testing. Allele origin: germline.
Comment: The p.D868Y variant (also known as c.2602G>T), located in coding exon 19 of the MSH3 gene, results from a G to T substitution at nucleotide position 2602. The aspartic acid at codon 868 is replaced by tyrosine, an amino acid with highly dissimilar properties. This amino acid position is highly conserved in available vertebrate species. In addition, this alteration is predicted to be deleterious by in silico analysis. Based on the available evidence, the clinical significance of this variant remains unclear.

Baylor Genetics
Classification: Uncertain significance for Endometrial carcinoma. Last evaluated: 2024-03-21. Review status: criteria provided, single submitter. Criteria: ACMG Guidelines, 2015. Collection method: clinical testing. Allele origin: unknown.

Labcorp Genetics (formerly Invitae), Labcorp
Classification: Uncertain significance. Last evaluated: 2022-01-28. Review status: criteria provided, single submitter. Criteria: Invitae Variant Classification Sherloc (09022015). Collection method: clinical testing. Allele origin: germline.
Comment: This sequence change replaces aspartic acid, which is acidic and polar, with tyrosine, which is neutral and polar, at codon 868 of the MSH3 protein (p.Asp868Tyr). This variant is not present in population databases (gnomAD no frequency). This variant has not been reported in the literature in individuals affected with MSH3-related conditions. Algorithms developed to predict the effect of missense changes on protein structure and function are either unavailable or do not agree on the potential impact of this missense change (SIFT: "Deleterious"; PolyPhen-2: "Probably Damaging"; Align-GVGD: "Class C0"). In summary, the available evidence is currently insufficient to determine the role of this variant in disease. Therefore, it has been classified as a Variant of Uncertain Significance.